The following is an entry in ClinVar:

NM_006182.4(DDR2):c.120G>T (p.Gln40His)

Gene: DDR2 (discoidin domain receptor tyrosine kinase 2; plus strand). Cytogenetic location: 1q23.3.
Variant type: single nucleotide variant.
Coding change: c.120G>T on transcript NM_006182.4 (MANE Select); coding-DNA position 120, G replaced by T.
Protein change: p.Gln40His; replaces glutamine 40 with histidine.
Molecular consequence: missense variant.
Genome position (GRCh38, 1-based): chr1:162,753,132, G>T. VCF-style: chr1-162753132-G-T. GRCh37 (hg19) VCF-style: chr1-162722922-G-T.
Other names: c.120G>T, p.Gln40His (NM_001014796.3, NM_001354982.2, NM_001354983.2); short protein forms Q40H.
Identifiers: ClinVar variation 1500844 (VCV001500844.4), dbSNP rs2102127865, ClinGen allele CA343404144.

ClinVar aggregate classification (germline): Uncertain significance (1 of 4 stars; one submission).

Submission:

Labcorp Genetics (formerly Invitae), Labcorp
Classification: Uncertain significance. Last evaluated: 2021-08-24. Review status: criteria provided, single submitter. Criteria: Invitae Variant Classification Sherloc (09022015). Collection method: clinical testing. Allele origin: germline.
Comment: This sequence change replaces glutamine with histidine at codon 40 of the DDR2 protein (p.Gln40His). The glutamine residue is weakly conserved and there is a small physicochemical difference between glutamine and histidine. This variant is not present in population databases (ExAC no frequency). This variant has not been reported in the literature in individuals affected with DDR2-related conditions. Algorithms developed to predict the effect of missense changes on protein structure and function output the following: SIFT: "Tolerated"; PolyPhen-2: "Benign"; Align-GVGD: "Class C0". The histidine amino acid residue is found in multiple mammalian species, which suggests that this missense change does not adversely affect protein function. In summary, the available evidence is currently insufficient to determine the role of this variant in disease. Therefore, it has been classified as a Variant of Uncertain Significance.